The following is an entry in ClinVar:

ClinVar aggregate classification (germline): Uncertain significance (1 of 4 stars; one submission).

Conditions:
POLD1-related polyposis and colorectal cancer syndrome (CRCS10). Also called: Colorectal cancer 10; COLORECTAL CANCER, SUSCEPTIBILITY TO, ON CHROMOSOME 19q; Colorectal cancer, susceptibility to, 10. Identifiers: Orphanet 220460, MedGen C2675481, MONDO:0012953, OMIM 612591.

Submission:

Labcorp Genetics (formerly Invitae), Labcorp
Classification: Uncertain significance for POLD1-related polyposis and colorectal cancer syndrome. Last evaluated: 2022-05-29. Review status: criteria provided, single submitter. Criteria: Invitae Variant Classification Sherloc (09022015). Collection method: clinical testing. Allele origin: germline.
Comment: This sequence change replaces glutamic acid, which is acidic and polar, with lysine, which is basic and polar, at codon 56 of the POLD1 protein (p.Glu56Lys). This variant is not present in population databases (gnomAD no frequency). This variant has not been reported in the literature in individuals affected with POLD1-related conditions. ClinVar contains an entry for this variant (Variation ID: 1470572). Algorithms developed to predict the effect of missense changes on protein structure and function are either unavailable or do not agree on the potential impact of this missense change (SIFT: "Tolerated"; PolyPhen-2: "Probably Damaging"; Align-GVGD: "Class C0"). In summary, the available evidence is currently insufficient to determine the role of this variant in disease. Therefore, it has been classified as a Variant of Uncertain Significance.

NM_002691.4(POLD1):c.166G>A (p.Glu56Lys)

Gene: POLD1 (DNA polymerase delta 1, catalytic subunit; plus strand). Cytogenetic location: 19q13.33.
Variant type: single nucleotide variant.
Coding change: c.166G>A on transcript NM_002691.4 (MANE Select); coding-DNA position 166, G replaced by A.
Protein change: p.Glu56Lys; replaces glutamic acid 56 with lysine.
Molecular consequence: missense variant. On other transcripts: non-coding transcript variant (1).
Genome position (GRCh38, 1-based): chr19:50,399,017, G>A. VCF-style: chr19-50399017-G-A. GRCh37 (hg19) VCF-style: chr19-50902274-G-A.
Other names: c.166G>A, p.Glu56Lys (NM_001256849.1, NM_001308632.1); short protein forms E56K.
Identifiers: ClinVar variation 1470572 (VCV001470572.6), dbSNP rs2122197173, ClinGen allele CA406970293.